The following is an entry in ClinVar:

ClinVar aggregate classification (germline): Uncertain significance (1 of 4 stars; one submission).

Conditions:
Dyskeratosis congenita, autosomal dominant 2. Identifiers: MedGen C3151443, MONDO:0013521, OMIM 613989.
Idiopathic Pulmonary Fibrosis. Also called: Idiopathic fibrosing alveolitis, chronic form; idiopathic fibrosing alveolitis. Identifiers: Orphanet 2032, MedGen C1800706, MeSH D054990, MONDO:0800504.

Submission:

Labcorp Genetics (formerly Invitae), Labcorp
Classification: Uncertain significance for Dyskeratosis congenita, autosomal dominant 2; Idiopathic Pulmonary Fibrosis. Last evaluated: 2022-03-14. Review status: criteria provided, single submitter. Criteria: Invitae Variant Classification Sherloc (09022015). Collection method: clinical testing. Allele origin: germline.
Comment: This sequence change replaces alanine, which is neutral and non-polar, with threonine, which is neutral and polar, at codon 427 of the TERT protein (p.Ala427Thr). This variant is not present in population databases (gnomAD no frequency). This variant has not been reported in the literature in individuals affected with TERT-related conditions. Advanced modeling of protein sequence and biophysical properties (such as structural, functional, and spatial information, amino acid conservation, physicochemical variation, residue mobility, and thermodynamic stability) performed at Invitae indicates that this missense variant is not expected to disrupt TERT protein function. In summary, the available evidence is currently insufficient to determine the role of this variant in disease. Therefore, it has been classified as a Variant of Uncertain Significance.

NM_198253.3(TERT):c.1279G>A (p.Ala427Thr)

Gene: TERT (telomerase reverse transcriptase; minus strand). Cytogenetic location: 5p15.33.
Variant type: single nucleotide variant.
Coding change: c.1279G>A on transcript NM_198253.3 (MANE Select); coding-DNA position 1279, G replaced by A.
Protein change: p.Ala427Thr; replaces alanine 427 with threonine.
Molecular consequence: missense variant. On other transcripts: non-coding transcript variant (2).
Genome position (GRCh38, 1-based): chr5:1,293,607, C>T on the plus strand (G>A on the coding strand, the complement: TERT is on the minus strand). VCF-style: chr5-1293607-C-T. GRCh37 (hg19) VCF-style: chr5-1293722-C-T.
Other names: c.1279G>A, p.Ala427Thr (NM_001193376.3, NM_003219.1); short protein forms A427T.
Identifiers: ClinVar variation 2111698 (VCV002111698.1), dbSNP rs2478412167, ClinGen allele CA359086380.